The following is an entry in ClinVar:

ClinVar aggregate classification (germline): Uncertain significance (1 of 4 stars; one submission).

Allele frequency attached by ClinVar (database versions not stated): gnomAD 0.00002; gnomAD exomes 0.00002; TOPMed 0.00002; ExAC 0.00005.
gnomAD v4.1: 34 of 1,613,868 alleles (0.0021%); highest among the groups gnomAD compares: East Asian, 0.04%; no homozygotes.

Submission:

Labcorp Genetics (formerly Invitae), Labcorp
Classification: Uncertain significance. Last evaluated: 2023-10-22. Review status: criteria provided, single submitter. Criteria: Invitae Variant Classification Sherloc (09022015). Collection method: clinical testing. Allele origin: germline.
Comment: This sequence change replaces glycine, which is neutral and non-polar, with serine, which is neutral and polar, at codon 672 of the STAT4 protein (p.Gly672Ser). This variant is present in population databases (rs762343259, gnomAD 0.07%), and has an allele count higher than expected for a pathogenic variant. This variant has not been reported in the literature in individuals affected with STAT4-related conditions. Advanced modeling of protein sequence and biophysical properties (such as structural, functional, and spatial information, amino acid conservation, physicochemical variation, residue mobility, and thermodynamic stability) performed at Invitae indicates that this missense variant is not expected to disrupt STAT4 protein function. In summary, the available evidence is currently insufficient to determine the role of this variant in disease. Therefore, it has been classified as a Variant of Uncertain Significance.

NM_003151.4(STAT4):c.2014G>A (p.Gly672Ser)

Gene: STAT4 (signal transducer and activator of transcription 4; minus strand). Cytogenetic location: 2q32.2.
Variant type: single nucleotide variant.
Coding change: c.2014G>A on transcript NM_003151.4 (MANE Select); coding-DNA position 2014, G replaced by A.
Protein change: p.Gly672Ser; replaces glycine 672 with serine.
Molecular consequence: missense variant.
Genome position (GRCh38, 1-based): chr2:191,032,988, C>T on the plus strand (G>A on the coding strand, the complement: STAT4 is on the minus strand). VCF-style: chr2-191032988-C-T. GRCh37 (hg19) VCF-style: chr2-191897714-C-T.
Other names: c.2014G>A, p.Gly672Ser (NM_001243835.2); short protein forms G672S.
Identifiers: ClinVar variation 3018599 (VCV003018599.3), dbSNP rs762343259, ClinGen allele CA2030446.
Genomic context (GRCh38, chr2:191,032,988, plus strand): 5'-AAAAAACAAAAACAAACAGAAAAACCTAACCTTCGCAAGGCTGAGAGCTGTAGTGTTTAC[C>T]GAAGGCTTTGTCTTTGGGAATGTCAGGATATAGGTACTTCAGAGGGTTTTCAGGAATGTT-3'
Protein context (NP_003142.1, residues 662-682): YPDIPKDKAF[Gly672Ser]KHYSSQPCEV